The following is an entry in ClinVar:

NC_000007.13:g.(?_105176992)_(105183116_?)del

Gene: RINT1 (RAD50 interactor 1; plus strand). Cytogenetic location: 7q22.3.
Variant type: Deletion.
Identifiers: ClinVar variation 3245926 (VCV003245926.1).

ClinVar aggregate classification (germline): Pathogenic (1 of 4 stars; one submission).

Submission:

Labcorp Genetics (formerly Invitae), Labcorp
Classification: Pathogenic. Last evaluated: 2023-12-30. Review status: criteria provided, single submitter. Criteria: Invitae Variant Classification Sherloc (09022015). Collection method: clinical testing. Allele origin: unknown.
Comment: This variant is a gross deletion of the genomic region encompassing exon(s) 3-4 of the RINT1 gene. This deletion is out-of-frame, and is expected to create a premature termination codon and result in an absent or disrupted protein product. Loss-of-function variants in RINT1 are known to be pathogenic (PMID: 31204009). This variant has not been reported in the literature in individuals affected with RINT1-related conditions. For these reasons, this variant has been classified as Pathogenic.

Literature cited by the submitters: PubMed 31204009.